The following is an entry in ClinVar:

NM_002230.4(JUP):c.578T>C (p.Met193Thr)

Gene: JUP (junction plakoglobin; minus strand). Cytogenetic location: 17q21.2.
Variant type: single nucleotide variant.
Coding change: c.578T>C on transcript NM_002230.4 (MANE Select); coding-DNA position 578, T replaced by C.
Protein change: p.Met193Thr; replaces methionine 193 with threonine.
Molecular consequence: missense variant.
Genome position (GRCh38, 1-based): chr17:41,769,098, A>G on the plus strand (T>C on the coding strand, the complement: JUP is on the minus strand). VCF-style: chr17-41769098-A-G. GRCh37 (hg19) VCF-style: chr17-39925350-A-G.
Other names: c.578T>C, p.Met193Thr (NM_001352773.2, NM_001352774.2, NM_001352775.2 and 3 more transcripts); short protein forms M193T.
Identifiers: ClinVar variation 222661 (VCV000222661.19), dbSNP rs139496777, ClinGen allele CA087549.

ClinVar aggregate classification (germline): Conflicting classifications of pathogenicity. Review status: criteria provided, conflicting classifications (1 of 4 stars). 7 submissions from 7 submitters: Uncertain significance (5); Likely benign (1). 1 of the submissions does not count toward it. Last evaluated 2026-08-28.

Conditions:
Arrhythmogenic right ventricular dysplasia 12. Also called: ARRHYTHMOGENIC RIGHT VENTRICULAR DYSPLASIA, FAMILIAL, 12. Identifiers: MedGen C1969081, MONDO:0012684, OMIM 611528.
Naxos disease (NXD). Also called: CARDIOMYOPATHY, ARRHYTHMOGENIC RIGHT VENTRICULAR, WITH SKIN, HAIR, AND NAIL ABNORMALITIES; KERATOSIS PALMOPLANTARIS WITH ARRHYTHMOGENIC CARDIOMYOPATHY; MAL DE NAXOS; PALMOPLANTAR KERATODERMA WITH ARRHYTHMOGENIC RIGHT VENTRICULAR CARDIOMYOPATHY AND WOOLLY HAIR; WOOLLY HAIR, PALMOPLANTAR KERATODERMA, AND CARDIAC ABNORMALITIES. Identifiers: Orphanet 34217, MedGen C1832600, MONDO:0011017, OMIM 601214.
Cardiovascular phenotype. Identifiers: MedGen CN230736.
Wolff-Parkinson-White pattern. Also called: Auriculoventricular accessory pathway syndrome; False bundle branch block syndrome; Anomalous ventricular excitation syndrome; WPW SYNDROME. Identifiers: MedGen C0043202, MONDO:0008685, OMIM 194200, HP:0001716.

Allele frequency attached by ClinVar (database versions not stated): ExAC 0.00004; gnomAD exomes 0.00007 and 0.00019; TOPMed 0.00008; gnomAD 0.00009; ESP Exome Variant Server 0.00023.

Submissions (7):

GeneDx
Classification: Uncertain significance. Last evaluated: 2026-08-28. Review status: criteria provided, single submitter. Criteria: GeneDx Variant Classification Process June 2021. Collection method: clinical testing. Allele origin: germline.
Comment: Identified in an individual with DCM in the published literature (Walsh et al., 2017); In silico analysis supports that this missense variant has a deleterious effect on protein structure/function; This variant is associated with the following publications: (PMID: 27532257, 32233023, 34815391, 31983221)

Labcorp Genetics (formerly Invitae), Labcorp
Classification: Uncertain significance for Arrhythmogenic right ventricular dysplasia 12; Naxos disease. Last evaluated: 2026-01-25. Review status: criteria provided, single submitter. Criteria: Invitae Variant Classification Sherloc (09022015). Collection method: clinical testing. Allele origin: germline.
Comment: This sequence change replaces methionine, which is neutral and non-polar, with threonine, which is neutral and polar, at codon 193 of the JUP protein (p.Met193Thr). This variant is present in population databases (rs139496777, gnomAD 0.01%). This missense change has been observed in individual(s) with dilated cardiomyopathy (PMID: 27532257, 31983221). ClinVar contains an entry for this variant (Variation ID: 222661). An algorithm developed to predict the effect of missense changes on protein structure and function (PolyPhen-2) suggests that this variant is likely to be disruptive. In summary, the available evidence is currently insufficient to determine the role of this variant in disease. Therefore, it has been classified as a Variant of Uncertain Significance.

Women's Health and Genetics/Laboratory Corporation of America, LabCorp
Classification: Uncertain significance. Last evaluated: 2025-11-06. Review status: criteria provided, single submitter. Criteria: LabCorp Variant Classification Summary - May 2015. Collection method: clinical testing. Allele origin: germline.
Comment: Variant summary: JUP c.578T>C (p.Met193Thr) results in a non-conservative amino acid change in the encoded protein sequence. Algorithms developed to predict the effect of missense changes on protein structure and function are either unavailable or do not agree on the potential impact of this missense change. The variant allele was found at a frequency of 7.2e-05 in 248456 control chromosomes. This frequency is not significantly higher than estimated for disease-causing variants in JUP, allowing no conclusion about variant significance. c.578T>C has been reported in the literature in individuals affected with Dilated Cardiomyopathy (Mazzarotto_2020, Walsh_2017). These reports do not provide unequivocal conclusions about association of the variant with AD-Arrhythmogenic Right Ventricular Dysplasia/Cardiomyopathy or AR-Naxos Disease. To our knowledge, no experimental evidence demonstrating an impact on protein function has been reported. The following publications have been ascertained in the context of this evaluation (PMID: 31983221, 27532257). ClinVar contains an entry for this variant (Variation ID: 222661). Based on the evidence outlined above, the variant was classified as uncertain significance.

Ambry Genetics
Classification: Likely benign for Cardiovascular phenotype. Last evaluated: 2022-03-07. Review status: criteria provided, single submitter. Criteria: Ambry Variant Classification Scheme 2023. Collection method: clinical testing. Allele origin: germline.

Fulgent Genetics
Classification: Uncertain significance for Naxos disease; Arrhythmogenic right ventricular dysplasia 12. Last evaluated: 2021-09-12. Review status: criteria provided, single submitter. Criteria: ACMG Guidelines, 2015. Collection method: clinical testing. Allele origin: unknown.

Blueprint Genetics
Classification: Uncertain significance. Last evaluated: 2020-11-25. Review status: criteria provided, single submitter. Criteria: ACMG Guidelines, 2015. Collection method: clinical testing. Allele origin: germline.

Lupski Lab, Baylor-Hopkins CMG, Baylor College of Medicine
Classification: Uncertain significance for Wolff-Parkinson-White pattern. Last evaluated: 2017-07-14. Review status: no assertion criteria provided. Collection method: research. Allele origin: unknown. Affected: yes. Observed: 1 variant allele. Study: Candidate_variants_in_patients_with_ Wolff-Parkinson-White Syndrome. Not counted in ClinVar's aggregate classification.

Literature cited by the submitters: PubMed 27532257 (cited by 3 submitters); PubMed 31983221 (cited by Labcorp Genetics (formerly Invitae), Labcorp and Women's Health and Genetics/Laboratory Corporation of America, LabCorp); PubMed 32233023 (cited by Ambry Genetics).